The following is an entry in ClinVar:

NM_152618.3(BBS12):c.1155G>A (p.Met385Ile)

Gene: BBS12 (Bardet-Biedl syndrome 12; plus strand). Cytogenetic location: 4q27.
Variant type: single nucleotide variant.
Coding change: c.1155G>A on transcript NM_152618.3 (MANE Select); coding-DNA position 1155, G replaced by A.
Protein change: p.Met385Ile; replaces methionine 385 with isoleucine.
Molecular consequence: missense variant.
Genome position (GRCh38, 1-based): chr4:122,743,047, G>A. VCF-style: chr4-122743047-G-A. GRCh37 (hg19) VCF-style: chr4-123664202-G-A.
Other names: c.1155G>A, p.Met385Ile (NM_001178007.2); short protein forms M385I.
Identifiers: ClinVar variation 1035674 (VCV001035674.5), dbSNP rs1800911609, ClinGen allele CA358224514.

ClinVar aggregate classification (germline): Uncertain significance (1 of 4 stars; one submission).

Conditions:
Bardet-Biedl syndrome (BBS). Identifiers: Orphanet 110, MedGen C0752166, MONDO:0015229.

Allele frequency attached by ClinVar (database versions not stated): gnomAD exomes below 0.00001.
gnomAD v4.1: 4 of 1,614,248 alleles (0.00025%); highest among the groups gnomAD compares: Non-Finnish European, 0.00034%; no homozygotes.

Submission:

Labcorp Genetics (formerly Invitae), Labcorp
Classification: Uncertain significance for Bardet-Biedl syndrome. Last evaluated: 2022-10-25. Review status: criteria provided, single submitter. Criteria: Invitae Variant Classification Sherloc (09022015). Collection method: clinical testing. Allele origin: germline.
Comment: Advanced modeling of protein sequence and biophysical properties (such as structural, functional, and spatial information, amino acid conservation, physicochemical variation, residue mobility, and thermodynamic stability) performed at Invitae indicates that this missense variant is not expected to disrupt BBS12 protein function. In summary, the available evidence is currently insufficient to determine the role of this variant in disease. Therefore, it has been classified as a Variant of Uncertain Significance. ClinVar contains an entry for this variant (Variation ID: 1035674). This sequence change replaces methionine, which is neutral and non-polar, with isoleucine, which is neutral and non-polar, at codon 385 of the BBS12 protein (p.Met385Ile). This variant is not present in population databases (gnomAD no frequency). This variant has not been reported in the literature in individuals affected with BBS12-related conditions.